The following is an entry in ClinVar:

NM_001312909.2(FAM111A):c.1664T>C (p.Met555Thr)

Gene: FAM111A (FAM111 trypsin like peptidase A; plus strand). Cytogenetic location: 11q12.1.
Variant type: single nucleotide variant.
Coding change: c.1664T>C on transcript NM_001312909.2 (MANE Select); coding-DNA position 1664, T replaced by C.
Protein change: p.Met555Thr; replaces methionine 555 with threonine.
Molecular consequence: missense variant.
Genome position (GRCh38, 1-based): chr11:59,153,332, T>C. VCF-style: chr11-59153332-T-C. GRCh37 (hg19) VCF-style: chr11-58920805-T-C.
Other names: c.1664T>C, p.Met555Thr (NM_001312911.2, NM_001369457.1, NM_001374804.1 and 29 more transcripts); c.1664T>C (NM_001142520.1); short protein forms M555T.
Identifiers: ClinVar variation 1973446 (VCV001973446.6), dbSNP rs139362672, ClinGen allele CA223182855.

ClinVar aggregate classification (germline): Uncertain significance. Review status: criteria provided, multiple submitters, no conflicts (2 of 4 stars). 2 submissions from 2 submitters: Uncertain significance (2). Last evaluated 2025-12-08.

Conditions:
Inborn genetic diseases. Identifiers: MedGen C0950123, MeSH D030342.

Allele frequency attached by ClinVar (database versions not stated): gnomAD exomes 0.00001; ESP Exome Variant Server 0.00008.
gnomAD v4.1: 4 of 1,614,220 alleles (0.00025%); highest among the groups gnomAD compares: Non-Finnish European, 0.00034%; no homozygotes.

Submissions (2):

Ambry Genetics
Classification: Uncertain significance for Inborn genetic diseases. Last evaluated: 2025-12-08. Review status: criteria provided, single submitter. Criteria: Ambry Variant Classification Scheme 2023. Collection method: clinical testing. Allele origin: germline.

Labcorp Genetics (formerly Invitae), Labcorp
Classification: Uncertain significance. Last evaluated: 2025-01-01. Review status: criteria provided, single submitter. Criteria: Invitae Variant Classification Sherloc (09022015). Collection method: clinical testing. Allele origin: germline.
Comment: This sequence change replaces methionine, which is neutral and non-polar, with threonine, which is neutral and polar, at codon 555 of the FAM111A protein (p.Met555Thr). This variant is present in population databases (rs139362672, gnomAD 0.0009%). This variant has not been reported in the literature in individuals affected with FAM111A-related conditions. ClinVar contains an entry for this variant (Variation ID: 1973446). Invitae Evidence Modeling of protein sequence and biophysical properties (such as structural, functional, and spatial information, amino acid conservation, physicochemical variation, residue mobility, and thermodynamic stability) indicates that this missense variant is expected to disrupt FAM111A protein function with a positive predictive value of 80%. In summary, the available evidence is currently insufficient to determine the role of this variant in disease. Therefore, it has been classified as a Variant of Uncertain Significance.